The following is an entry in ClinVar:

NM_002878.4(RAD51D):c.145-1G>A

Genes: RAD51D (RAD51 paralog D; minus strand), RAD51L3-RFFL (RAD51L3-RFFL readthrough; minus strand). Cytogenetic location: 17q12.
Variant type: single nucleotide variant.
Coding change: c.145-1G>A on transcript NM_002878.4 (MANE Select); the canonical splice acceptor site of the intron before coding-DNA position 145, G replaced by A.
Molecular consequence: splice acceptor variant. On other transcripts: intron variant (2).
Genome position (GRCh38, 1-based): chr17:35,118,620, C>T on the plus strand (G>A on the coding strand, the complement: RAD51D is on the minus strand). VCF-style: chr17-35118620-C-T. GRCh37 (hg19) VCF-style: chr17-33445639-C-T.
Other names: c.144+491G>A (NM_133629.3, NM_001142571.2).
Identifiers: ClinVar variation 3148257 (VCV003148257.1), dbSNP rs2142474934, ClinGen allele CA399091645.

ClinVar aggregate classification (germline): Likely pathogenic (1 of 4 stars; one submission).

Conditions:
Breast-ovarian cancer, familial, susceptibility to, 4. Identifiers: Orphanet 145, MedGen C3280345, MONDO:0013669, OMIM 614291.

Allele frequency attached by ClinVar (database versions not stated): gnomAD exomes below 0.00001.
gnomAD v4.1: 1 of 1,613,650 alleles (0.000062%); highest among the groups gnomAD compares: Non-Finnish European, 0.000085%; no homozygotes.

Submission:

Myriad Genetics, Inc.
Classification: Likely pathogenic for Breast-ovarian cancer, familial, susceptibility to, 4. Last evaluated: 2024-01-04. Review status: criteria provided, single submitter. Criteria: Myriad Autosomal Dominant, Autosomal Recessive and X-Linked Classification Criteria (2023). Collection method: clinical testing. Allele origin: unknown.
Comment: This variant is considered likely pathogenic. This variant occurs within a consensus splice junction and is predicted to result in abnormal mRNA splicing of either an out-of-frame exon or an in-frame exon necessary for protein stability and/or normal function.